The following is an entry in ClinVar:

NM_000238.4(KCNH2):c.2757C>T (p.Ser919=)

Gene: KCNH2 (potassium voltage-gated channel subfamily H member 2; minus strand). Cytogenetic location: 7q36.1.
Variant type: single nucleotide variant.
Coding change: c.2757C>T on transcript NM_000238.4 (MANE Select); coding-DNA position 2757, C replaced by T.
Protein change: p.Ser919=; no amino-acid change (serine 919 retained).
Molecular consequence: synonymous variant.
Genome position (GRCh38, 1-based): chr7:150,947,814, G>A on the plus strand (C>T on the coding strand, the complement: KCNH2 is on the minus strand). VCF-style: chr7-150947814-G-A. GRCh37 (hg19) VCF-style: chr7-150644902-G-A.
Other names: c.1737C>T, p.Ser579= (NM_172057.3); c.2757C>T (NM_000238.3).
Identifiers: ClinVar variation 1101102 (VCV001101102.12), dbSNP rs2116933746, ClinGen allele CA458871235.

ClinVar aggregate classification (germline): Likely benign. Review status: criteria provided, multiple submitters, no conflicts (2 of 4 stars). 4 submissions from 4 submitters: Likely benign (4). Last evaluated 2024-09-06.

Conditions:
Cardiovascular phenotype. Identifiers: MedGen CN230736.
Cardiac arrhythmia. Also called: Cardiac rhythm disease; Arrhythmia. Identifiers: MedGen C0003811, MONDO:0007263, HP:0011675.
Long QT syndrome (LQTS). Identifiers: MedGen C0023976, MeSH D008133, MONDO:0002442. Disease mechanism: loss of function. Inheritance: Various modes of inheritance.

gnomAD v4.1: 1 of 1,529,512 alleles (0.000065%); highest among the groups gnomAD compares: Non-Finnish European, 0.000087%; no homozygotes.

Submissions (4):

Labcorp Genetics (formerly Invitae), Labcorp
Classification: Likely benign for Long QT syndrome. Last evaluated: 2024-09-06. Review status: criteria provided, single submitter. Criteria: Invitae Variant Classification Sherloc (09022015). Collection method: clinical testing. Allele origin: germline.

All of Us Research Program, National Institutes of Health
Classification: Likely benign for Long QT syndrome. Last evaluated: 2024-05-14. Review status: criteria provided, single submitter. Criteria: ACMG Guidelines, 2015. Collection method: clinical testing. Allele origin: germline. Inheritance: Autosomal dominant inheritance. Observed: 2 variant alleles, 2 heterozygotes.
Comment: This study involves interpretation of variants in research participants for the purpose of population health screening. Participant phenotype was not available at the time of variant classification. Additional details can be found in publication PMID: 35346344, PMCID: PMC8962531

Ambry Genetics
Classification: Likely benign for Cardiovascular phenotype. Last evaluated: 2024-05-11. Review status: criteria provided, single submitter. Criteria: Ambry Variant Classification Scheme 2023. Collection method: clinical testing. Allele origin: germline.

Color Diagnostics, LLC DBA Color Health
Classification: Likely benign for Cardiac arrhythmia. Last evaluated: 2023-06-20. Review status: criteria provided, single submitter. Criteria: ACMG Guidelines, 2015. Collection method: clinical testing. Allele origin: germline.